The following is an entry in ClinVar:

ClinVar aggregate classification (germline): Uncertain significance (1 of 4 stars; one submission).

Conditions:
Hypertrophic cardiomyopathy 1 (CMH1). Also called: MYH7-Related Familial Hypertrophic Cardiomyopathy; Familial hypertrophic cardiomyopathy 1. Identifiers: MedGen C3495498, MONDO:0008647, OMIM 192600.

Submission:

Labcorp Genetics (formerly Invitae), Labcorp
Classification: Uncertain significance for Hypertrophic cardiomyopathy 1. Last evaluated: 2024-06-19. Review status: criteria provided, single submitter. Criteria: Invitae Variant Classification Sherloc (09022015). Collection method: clinical testing. Allele origin: germline.
Comment: This sequence change replaces serine, which is neutral and polar, with leucine, which is neutral and non-polar, at codon 70 of the MYLK2 protein (p.Ser70Leu). This variant is not present in population databases (gnomAD no frequency). This variant has not been reported in the literature in individuals affected with MYLK2-related conditions. Advanced modeling of protein sequence and biophysical properties (such as structural, functional, and spatial information, amino acid conservation, physicochemical variation, residue mobility, and thermodynamic stability) performed at Invitae indicates that this missense variant is not expected to disrupt MYLK2 protein function with a negative predictive value of 80%. In summary, the available evidence is currently insufficient to determine the role of this variant in disease. Therefore, it has been classified as a Variant of Uncertain Significance.

NM_033118.4(MYLK2):c.209C>T (p.Ser70Leu)

Gene: MYLK2 (myosin light chain kinase 2; plus strand). Cytogenetic location: 20q11.21.
Variant type: single nucleotide variant.
Coding change: c.209C>T on transcript NM_033118.4 (MANE Select); coding-DNA position 209, C replaced by T.
Protein change: p.Ser70Leu; replaces serine 70 with leucine.
Molecular consequence: missense variant.
Genome position (GRCh38, 1-based): chr20:31,820,282, C>T. VCF-style: chr20-31820282-C-T. GRCh37 (hg19) VCF-style: chr20-30408085-C-T.
Other names: short protein forms S70L.
Identifiers: ClinVar variation 3695753 (VCV003695753.2).
Genomic context (GRCh38, chr20:31,820,282, plus strand): 5'-TGAAGAAAGATGCCAAAGCCCCTGCCTCAGAGAAAGGGGATGGTACCCTGGCCCAACCCT[C>T]AACTAGCAGCCAAGGCCCCAAAGGAGAGGGTGACAGGGGCGGGGGGCCCGCGGAGGGCAG-3'
Protein context (NP_149109.1, residues 60-80): EKGDGTLAQP[Ser70Leu]TSSQGPKGEG